The following is an entry in ClinVar:

NM_001371596.2(MFSD8):c.110G>A (p.Arg37Lys)

Gene: MFSD8 (major facilitator superfamily domain containing 8; minus strand). Cytogenetic location: 4q28.2.
Variant type: single nucleotide variant.
Coding change: c.110G>A on transcript NM_001371596.2 (MANE Select); coding-DNA position 110, G replaced by A.
Protein change: p.Arg37Lys; replaces arginine 37 with lysine.
Molecular consequence: missense variant. On other transcripts: 5 prime UTR variant (1).
Genome position (GRCh38, 1-based): chr4:127,957,545, C>T on the plus strand (G>A on the coding strand, the complement: MFSD8 is on the minus strand). VCF-style: chr4-127957545-C-T. GRCh37 (hg19) VCF-style: chr4-128878700-C-T.
Other names: c.110G>A, p.Arg37Lys (NM_001363520.3, NM_001363521.3, NM_001371591.2 and 5 more transcripts); c.-26G>A (NM_001371590.2, NM_001371595.1, NM_001410765.1); short protein forms R37K.
Identifiers: ClinVar variation 2092401 (VCV002092401.4), dbSNP rs915454873, ClinGen allele CA358165128.
Genomic context (GRCh38, chr4:127,957,545, plus strand): 5'-TATTTCTAATACTTACCTACACTGCTGAGAAACATAGTAAGATATAAAATCCTAATAGAT[C>T]TCCATCGGCTCTTATAATGCTCTTCAGTCTCTAAAATGTCCCATTCTCTAGGTGTAAAGA-3'
Protein context (NP_001358525.1, residues 27-47): ETEEHYKSRW[Arg37Lys]SIRILYLTMF

ClinVar aggregate classification (germline): Uncertain significance (1 of 4 stars; one submission).

Conditions:
Neuronal ceroid lipofuscinosis 7 (CLN7). Also called: MFSD8-Related Neuronal Ceroid-Lipofuscinosis. Identifiers: Orphanet 168491, Orphanet 228366, MedGen C1838571, MONDO:0012588, OMIM 610951.

Submission:

Labcorp Genetics (formerly Invitae), Labcorp
Classification: Uncertain significance for Neuronal ceroid lipofuscinosis 7. Last evaluated: 2022-02-18. Review status: criteria provided, single submitter. Criteria: Invitae Variant Classification Sherloc (09022015). Collection method: clinical testing. Allele origin: germline.
Comment: This sequence change replaces arginine, which is basic and polar, with lysine, which is basic and polar, at codon 37 of the MFSD8 protein (p.Arg37Lys). This variant is not present in population databases (gnomAD no frequency). This variant has not been reported in the literature in individuals affected with MFSD8-related conditions. Algorithms developed to predict the effect of missense changes on protein structure and function output the following: SIFT: "Tolerated"; PolyPhen-2: "Benign"; Align-GVGD: "Class C0". The lysine amino acid residue is found in multiple mammalian species, which suggests that this missense change does not adversely affect protein function. In summary, the available evidence is currently insufficient to determine the role of this variant in disease. Therefore, it has been classified as a Variant of Uncertain Significance.